The following is an entry in ClinVar:

ClinVar aggregate classification (germline): Uncertain significance (0 of 4 stars; one submission).

Conditions:
HDAC4-related disorder. Also called: HDAC4-related condition.

Submission:

PreventionGenetics, part of Exact Sciences
Classification: Uncertain significance for HDAC4-related condition. Last evaluated: 2024-02-03. Review status: no assertion criteria provided. Collection method: clinical testing. Allele origin: germline.
Comment: The HDAC4 c.2885G>C variant is predicted to result in the amino acid substitution p.Gly962Ala. To our knowledge, this variant has not been reported in the literature or in a large population database, indicating this variant is rare. At this time, the clinical significance of this variant is uncertain due to the absence of conclusive functional and genetic evidence.

NM_001378414.1(HDAC4):c.2900G>C (p.Gly967Ala)

Gene: HDAC4 (histone deacetylase 4; minus strand). Cytogenetic location: 2q37.3.
Variant type: single nucleotide variant.
Coding change: c.2900G>C on transcript NM_001378414.1 (MANE Select); coding-DNA position 2900, G replaced by C.
Protein change: p.Gly967Ala; replaces glycine 967 with alanine.
Molecular consequence: missense variant.
Genome position (GRCh38, 1-based): chr2:239,066,825, C>G on the plus strand (G>C on the coding strand, the complement: HDAC4 is on the minus strand). VCF-style: chr2-239066825-C-G. GRCh37 (hg19) VCF-style: chr2-239988521-C-G.
Other names: c.2900G>C, p.Gly967Ala (NM_001378415.1); c.2885G>C, p.Gly962Ala (NM_001378416.1, NM_001378417.1, NM_006037.4); short protein forms G962A, G967A.
Identifiers: ClinVar variation 3031926 (VCV003031926.2), dbSNP rs2033551463, ClinGen allele CA351256106.
Genomic context (GRCh38, chr2:239,066,825, plus strand): 5'-CAAATGGCGGTCAGGTCGTGGCCTCCCTCGAGGGCCAGGACAATCCGGCCGCCAGCCAGG[C>G]CCATCAGCTGCTTCGTCAGGTACCCGAAGCCTGCAACGGGAAACGGGAGACTGCAGTGTG-3'
Protein context (NP_001365343.1, residues 957-977): CFGYLTKQLM[Gly967Ala]LAGGRIVLAL